The following is an entry in ClinVar:

ClinVar aggregate classification (germline): Uncertain significance (1 of 4 stars; one submission).

Submission:

Labcorp Genetics (formerly Invitae), Labcorp
Classification: Uncertain significance. Last evaluated: 2023-12-11. Review status: criteria provided, single submitter. Criteria: Invitae Variant Classification Sherloc (09022015). Collection method: clinical testing. Allele origin: germline.
Comment: This sequence change replaces asparagine, which is neutral and polar, with serine, which is neutral and polar, at codon 323 of the DHX37 protein (p.Asn323Ser). This variant is not present in population databases (gnomAD no frequency). This variant has not been reported in the literature in individuals affected with DHX37-related conditions. Advanced modeling of protein sequence and biophysical properties (such as structural, functional, and spatial information, amino acid conservation, physicochemical variation, residue mobility, and thermodynamic stability) performed at Invitae indicates that this missense variant is not expected to disrupt DHX37 protein function with a negative predictive value of 80%. In summary, the available evidence is currently insufficient to determine the role of this variant in disease. Therefore, it has been classified as a Variant of Uncertain Significance.

NM_032656.4(DHX37):c.968A>G (p.Asn323Ser)

Gene: DHX37 (DEAH-box helicase 37; minus strand). Cytogenetic location: 12q24.31.
Variant type: single nucleotide variant.
Coding change: c.968A>G on transcript NM_032656.4 (MANE Select); coding-DNA position 968, A replaced by G.
Protein change: p.Asn323Ser; replaces asparagine 323 with serine.
Molecular consequence: missense variant.
Genome position (GRCh38, 1-based): chr12:124,975,431, T>C on the plus strand (A>G on the coding strand, the complement: DHX37 is on the minus strand). VCF-style: chr12-124975431-T-C. GRCh37 (hg19) VCF-style: chr12-125459977-T-C.
Other names: short protein forms N323S.
Identifiers: ClinVar variation 2785600 (VCV002785600.3), dbSNP rs1954617328, ClinGen allele CA387226842.